The following is an entry in ClinVar:

ClinVar aggregate classification (germline): Uncertain significance (1 of 4 stars; one submission).

Submission:

GeneDx
Classification: Uncertain significance. Last evaluated: 2019-06-25. Review status: criteria provided, single submitter. Criteria: GeneDx Variant Classification Process June 2021. Collection method: clinical testing. Allele origin: germline. Affected: yes.
Comment: Not observed in large population cohorts (Lek et al., 2016); In silico analysis, which includes protein predictors and evolutionary conservation, supports a deleterious effect; Has not been previously published as pathogenic or benign to our knowledge

NM_021625.5(TRPV4):c.722C>T (p.Ala241Val)

Gene: TRPV4 (transient receptor potential cation channel subfamily V member 4; minus strand). Cytogenetic location: 12q24.11.
Variant type: single nucleotide variant.
Coding change: c.722C>T on transcript NM_021625.5 (MANE Select); coding-DNA position 722, C replaced by T.
Protein change: p.Ala241Val; replaces alanine 241 with valine.
Molecular consequence: missense variant. On other transcripts: intron variant (2).
Genome position (GRCh38, 1-based): chr12:109,800,749, G>A on the plus strand (C>T on the coding strand, the complement: TRPV4 is on the minus strand). VCF-style: chr12-109800749-G-A. GRCh37 (hg19) VCF-style: chr12-110238554-G-A.
Other names: c.620C>T, p.Ala207Val (NM_001177431.2); c.722C>T, p.Ala241Val (NM_147204.3); c.713-1837C>T (NM_001177433.1, NM_001177428.1); short protein forms A207V, A241V.
Identifiers: ClinVar variation 1317029 (VCV001317029.2), dbSNP rs2136538545, ClinGen allele CA386655494.
Genomic context (GRCh38, chr12:109,800,749, plus strand): 5'-CCCTGGGCCACGAGAAGTTCCACGTAGTGTTTGCAGCGACGCTCAATGGCGATGTGCAGG[G>A]CTGTCTGACCTGGGGGCAGGGGACGGTCATCCAGGGTCCTGGCGGAGCAGAGACCTAGCC-3'
Protein context (NP_067638.3, residues 231-251): FRDIYYRGQT[Ala241Val]LHIAIERRCK